The following is an entry in ClinVar:

ClinVar aggregate classification (germline): Uncertain significance (1 of 4 stars; one submission).

gnomAD v4.1: 3 of 1,614,192 alleles (0.00019%); highest among the groups gnomAD compares: Non-Finnish European, 0.00025%; no homozygotes.

Submission:

Labcorp Genetics (formerly Invitae), Labcorp
Classification: Uncertain significance. Last evaluated: 2024-02-05. Review status: criteria provided, single submitter. Criteria: Invitae Variant Classification Sherloc (09022015). Collection method: clinical testing. Allele origin: germline.
Comment: This sequence change replaces isoleucine, which is neutral and non-polar, with valine, which is neutral and non-polar, at codon 671 of the MTOR protein (p.Ile671Val). This variant is present in population databases (no rsID available, gnomAD 0.002%). This variant has not been reported in the literature in individuals affected with MTOR-related conditions. Advanced modeling of protein sequence and biophysical properties (such as structural, functional, and spatial information, amino acid conservation, physicochemical variation, residue mobility, and thermodynamic stability) performed at Invitae indicates that this missense variant is not expected to disrupt MTOR protein function with a negative predictive value of 95%. In summary, the available evidence is currently insufficient to determine the role of this variant in disease. Therefore, it has been classified as a Variant of Uncertain Significance.

NM_004958.4(MTOR):c.2011A>G (p.Ile671Val)

Gene: MTOR (mechanistic target of rapamycin kinase; minus strand). Cytogenetic location: 1p36.22.
Variant type: single nucleotide variant.
Coding change: c.2011A>G on transcript NM_004958.4 (MANE Select); coding-DNA position 2011, A replaced by G.
Protein change: p.Ile671Val; replaces isoleucine 671 with valine.
Molecular consequence: missense variant.
Genome position (GRCh38, 1-based): chr1:11,238,040, T>C on the plus strand (A>G on the coding strand, the complement: MTOR is on the minus strand). VCF-style: chr1-11238040-T-C. GRCh37 (hg19) VCF-style: chr1-11298097-T-C.
Other names: c.2011A>G, p.Ile671Val (NM_001386500.1); c.763A>G, p.Ile255Val (NM_001386501.1); short protein forms I255V, I671V.
Identifiers: ClinVar variation 3646299 (VCV003646299.2).